The following is an entry in ClinVar:

NM_017672.6(TRPM7):c.299G>T (p.Gly100Val)

Gene: TRPM7 (transient receptor potential cation channel subfamily M member 7; minus strand). Cytogenetic location: 15q21.2.
Variant type: single nucleotide variant.
Coding change: c.299G>T on transcript NM_017672.6 (MANE Select); coding-DNA position 299, G replaced by T.
Protein change: p.Gly100Val; replaces glycine 100 with valine.
Molecular consequence: missense variant. On other transcripts: non-coding transcript variant (3).
Genome position (GRCh38, 1-based): chr15:50,648,709, C>A on the plus strand (G>T on the coding strand, the complement: TRPM7 is on the minus strand). VCF-style: chr15-50648709-C-A. GRCh37 (hg19) VCF-style: chr15-50940906-C-A.
Other names: c.299G>T, p.Gly100Val (NM_001301212.2); short protein forms G100V.
Identifiers: ClinVar variation 3774109 (VCV003774109.1).

ClinVar aggregate classification (germline): Uncertain significance (1 of 4 stars; one submission).

gnomAD v4.1: 5 of 1,606,918 alleles (0.00031%); highest among the groups gnomAD compares: Admixed American, 0.0017%; no homozygotes.

Submission:

GeneDx
Classification: Uncertain significance. Last evaluated: 2024-09-20. Review status: criteria provided, single submitter. Criteria: GeneDx Variant Classification Process June 2021. Collection method: clinical testing. Allele origin: germline. Affected: yes.
Comment: Not observed at significant frequency in large population cohorts (gnomAD); In silico analysis supports that this missense variant has a deleterious effect on protein structure/function; Has not been previously published as pathogenic or benign to our knowledge